The following is an entry in ClinVar:

ClinVar aggregate classification (germline): Uncertain significance. Review status: criteria provided, multiple submitters, no conflicts (2 of 4 stars). 3 submissions from 3 submitters: Uncertain significance (2). 1 of the submissions does not count toward it. Last evaluated 2026-01-27.

Conditions:
Retinal dystrophy. Also called: Inherited retinal dystrophy. Identifiers: Orphanet 71862, MedGen C0854723, MeSH D058499, MONDO:0019118, HP:0000556.
CACNA1F-related disorder. Also called: CACNA1F-related condition.

Allele frequency attached by ClinVar (database versions not stated): gnomAD exomes 0.00001; TOPMed 0.00001.
gnomAD v4.1: 10 of 1,155,562 alleles (0.00087%); highest among the groups gnomAD compares: Non-Finnish European, 0.001%; no homozygotes.

Submissions (3):

PreventionGenetics, part of Exact Sciences
Classification: Uncertain significance for CACNA1F-related condition. Last evaluated: 2026-01-27. Review status: criteria provided, single submitter. Criteria: ACMG Guidelines, 2015. Collection method: clinical testing. Allele origin: germline.
Comment: The CACNA1F c.367G>T variant is predicted to result in the amino acid substitution p.Ala123Ser. To our knowledge, this variant has not been reported in the literature or in a large population database (gnomAD), indicating this variant is rare. At this time, the clinical significance of this variant is uncertain due to the absence of conclusive functional and genetic evidence.

Labcorp Genetics (formerly Invitae), Labcorp
Classification: Uncertain significance. Last evaluated: 2025-05-27. Review status: criteria provided, single submitter. Criteria: Invitae Variant Classification Sherloc (09022015). Collection method: clinical testing. Allele origin: germline.
Comment: This sequence change replaces alanine, which is neutral and non-polar, with serine, which is neutral and polar, at codon 123 of the CACNA1F protein (p.Ala123Ser). This variant is not present in population databases (gnomAD no frequency). This variant has not been reported in the literature in individuals affected with CACNA1F-related conditions. ClinVar contains an entry for this variant (Variation ID: 1062073). Invitae Evidence Modeling of protein sequence and biophysical properties (such as structural, functional, and spatial information, amino acid conservation, physicochemical variation, residue mobility, and thermodynamic stability) indicates that this missense variant is not expected to disrupt CACNA1F protein function with a negative predictive value of 80%. In summary, the available evidence is currently insufficient to determine the role of this variant in disease. Therefore, it has been classified as a Variant of Uncertain Significance.

Institute of Human Genetics, Univ. Regensburg, Univ. Regensburg
Classification: Uncertain significance for Retinal dystrophy. Last evaluated: 2020-01-01. Review status: no assertion criteria provided. Criteria: ACMG Guidelines, 2015. Collection method: clinical testing. Allele origin: germline. Affected: yes. Not counted in ClinVar's aggregate classification.

NM_001256789.3(CACNA1F):c.367G>T (p.Ala123Ser)

Gene: CACNA1F (calcium voltage-gated channel subunit alpha1 F; minus strand). Cytogenetic location: Xp11.23.
Variant type: single nucleotide variant.
Coding change: c.367G>T on transcript NM_001256789.3 (MANE Select); coding-DNA position 367, G replaced by T.
Protein change: p.Ala123Ser; replaces alanine 123 with serine.
Molecular consequence: missense variant.
Genome position (GRCh38, 1-based): chrX:49,231,216, C>A on the plus strand (G>T on the coding strand, the complement: CACNA1F is on the minus strand). VCF-style: chrX-49231216-C-A. GRCh37 (hg19) VCF-style: chrX-49087678-C-A.
Other names: c.172G>T, p.Ala58Ser (NM_001256790.3); c.367G>T, p.Ala123Ser (NM_005183.4); c.367G>T (NM_005183.3); short protein forms A123S, A58S.
Identifiers: ClinVar variation 1062073 (VCV001062073.11), dbSNP rs2065875840, ClinGen allele CA412926480.